The following is an entry in ClinVar:

ClinVar aggregate classification (germline): Uncertain significance (1 of 4 stars; one submission).

Conditions:
Inborn genetic diseases. Identifiers: MedGen C0950123, MeSH D030342.

Allele frequency attached by ClinVar (database versions not stated): TOPMed 0.00002; gnomAD 0.00003.

Submission:

Ambry Genetics
Classification: Uncertain significance for Inborn genetic diseases. Last evaluated: 2022-01-26. Review status: criteria provided, single submitter. Criteria: Ambry Variant Classification Scheme 2023. Collection method: clinical testing. Allele origin: germline.
Comment: The p.G5R variant (also known as c.13G>A), located in coding exon 1 of the NTRK1 gene, results from a G to A substitution at nucleotide position 13. The glycine at codon 5 is replaced by arginine, an amino acid with dissimilar properties. This amino acid position is not well conserved in available vertebrate species. In addition, this alteration is predicted to be tolerated by in silico analysis. Since supporting evidence is limited at this time, the clinical significance of this alteration remains unclear.

NM_002529.4(NTRK1):c.13G>A (p.Gly5Arg)

Genes: NTRK1 (neurotrophic receptor tyrosine kinase 1; plus strand), LOC129931648 (ATAC-STARR-seq lymphoblastoid silent region 1440; plus strand). Cytogenetic location: 1q23.1.
Variant type: single nucleotide variant.
Coding change: c.13G>A on transcript NM_002529.4 (MANE Select); coding-DNA position 13, G replaced by A.
Protein change: p.Gly5Arg; replaces glycine 5 with arginine.
Molecular consequence: missense variant. On other transcripts: intron variant (1).
Genome position (GRCh38, 1-based): chr1:156,860,947, G>A. VCF-style: chr1-156860947-G-A. GRCh37 (hg19) VCF-style: chr1-156830739-G-A.
Other names: c.13G>A, p.Gly5Arg (NM_001007204.1, NM_001012331.2); c.123-3407G>A (NM_001007792.1); short protein forms G5R.
Identifiers: ClinVar variation 1771769 (VCV001771769.2), dbSNP rs1382469625, ClinGen allele CA342928882.
Genomic context (GRCh38, chr1:156,860,947, plus strand): 5'-GGAGCGCACAGACGGCTGCCCCGCCTGAGCGAGGCGGGCGCCGCCGCGATGCTGCGAGGC[G>A]GACGGCGCGGGCAGCTTGGCTGGCACAGCTGGGCTGCGGGGCCGGGCAGCCTGCTGGCTT-3'
Protein context (NP_002520.2, residues 1-15): MLRG[Gly5Arg]RRGQLGWHSW